The following is an entry in ClinVar:

ClinVar aggregate classification (germline): Uncertain significance. Review status: criteria provided, multiple submitters, no conflicts (2 of 4 stars). 2 submissions from 2 submitters: Uncertain significance (2). Last evaluated 2025-09-17.

Conditions:
Primary ciliary dyskinesia. Also called: Ciliary dyskinesia. Identifiers: Orphanet 244, MedGen C0008780, MONDO:0016575, HP:0012265.

Allele frequency attached by ClinVar (database versions not stated): gnomAD exomes below 0.00001; ExAC 0.00001.
gnomAD v4.1: 1 of 1,613,702 alleles (0.000062%); highest among the groups gnomAD compares: Non-Finnish European, 0.000085%; no homozygotes.

Submissions (2):

Ambry Genetics
Classification: Uncertain significance for Primary ciliary dyskinesia. Last evaluated: 2025-09-17. Review status: criteria provided, single submitter. Criteria: Ambry Variant Classification Scheme 2023. Collection method: clinical testing. Allele origin: germline.
Comment: The p.V2073I variant (also known as c.6217G>A), located in coding exon 37 of the DNAH11 gene, results from a G to A substitution at nucleotide position 6217. The valine at codon 2073 is replaced by isoleucine, an amino acid with highly similar properties. This amino acid position is conserved. In addition, this alteration is predicted to be tolerated by in silico analysis. Based on the available evidence, the clinical significance of this variant remains unclear.

Labcorp Genetics (formerly Invitae), Labcorp
Classification: Uncertain significance for Primary ciliary dyskinesia. Last evaluated: 2024-10-16. Review status: criteria provided, single submitter. Criteria: Invitae Variant Classification Sherloc (09022015). Collection method: clinical testing. Allele origin: germline.
Comment: This sequence change replaces valine, which is neutral and non-polar, with isoleucine, which is neutral and non-polar, at codon 2073 of the DNAH11 protein (p.Val2073Ile). This variant is present in population databases (rs760953364, gnomAD 0.0009%). This variant has not been reported in the literature in individuals affected with DNAH11-related conditions. ClinVar contains an entry for this variant (Variation ID: 1367415). Invitae Evidence Modeling of protein sequence and biophysical properties (such as structural, functional, and spatial information, amino acid conservation, physicochemical variation, residue mobility, and thermodynamic stability) indicates that this missense variant is not expected to disrupt DNAH11 protein function with a negative predictive value of 95%. In summary, the available evidence is currently insufficient to determine the role of this variant in disease. Therefore, it has been classified as a Variant of Uncertain Significance.

NM_001277115.2(DNAH11):c.6217G>A (p.Val2073Ile)

Gene: DNAH11 (dynein axonemal heavy chain 11; plus strand). Cytogenetic location: 7p15.3.
Variant type: single nucleotide variant.
Coding change: c.6217G>A on transcript NM_001277115.2 (MANE Select); coding-DNA position 6217, G replaced by A.
Protein change: p.Val2073Ile; replaces valine 2073 with isoleucine.
Molecular consequence: missense variant.
Genome position (GRCh38, 1-based): chr7:21,702,746, G>A. VCF-style: chr7-21702746-G-A. GRCh37 (hg19) VCF-style: chr7-21742364-G-A.
Other names: c.6217G>A (NM_001277115.1); short protein forms V2073I.
Identifiers: ClinVar variation 1367415 (VCV001367415.5), dbSNP rs760953364, ClinGen allele CA4180733.